The following is an entry in ClinVar:

NM_007317.3(KIF22):c.430C>A (p.Pro144Thr)

Gene: KIF22 (kinesin family member 22; plus strand). Cytogenetic location: 16p11.2.
Variant type: single nucleotide variant.
Coding change: c.430C>A on transcript NM_007317.3 (MANE Select); coding-DNA position 430, C replaced by A.
Protein change: p.Pro144Thr; replaces proline 144 with threonine.
Molecular consequence: missense variant.
Genome position (GRCh38, 1-based): chr16:29,798,628, C>A. VCF-style: chr16-29798628-C-A. GRCh37 (hg19) VCF-style: chr16-29809949-C-A.
Other names: c.226C>A, p.Pro76Thr (NM_001256269.2, NM_001256270.1); short protein forms P144T, P76T.
Identifiers: ClinVar variation 2734094 (VCV002734094.3), dbSNP rs2543272795, ClinGen allele CA395450912.

ClinVar aggregate classification (germline): Uncertain significance (1 of 4 stars; one submission).

Submission:

Labcorp Genetics (formerly Invitae), Labcorp
Classification: Uncertain significance. Last evaluated: 2023-06-30. Review status: criteria provided, single submitter. Criteria: Invitae Variant Classification Sherloc (09022015). Collection method: clinical testing. Allele origin: germline.
Comment: This sequence change replaces proline, which is neutral and non-polar, with threonine, which is neutral and polar, at codon 144 of the KIF22 protein (p.Pro144Thr). This variant is not present in population databases (gnomAD no frequency). This variant has not been reported in the literature in individuals affected with KIF22-related conditions. Advanced modeling of protein sequence and biophysical properties (such as structural, functional, and spatial information, amino acid conservation, physicochemical variation, residue mobility, and thermodynamic stability) has been performed at Invitae for this missense variant, however the output from this modeling did not meet the statistical confidence thresholds required to predict the impact of this variant on KIF22 protein function. In summary, the available evidence is currently insufficient to determine the role of this variant in disease. Therefore, it has been classified as a Variant of Uncertain Significance.